The following is an entry in ClinVar:

ClinVar aggregate classification (germline): Likely pathogenic (1 of 4 stars; one submission).

Conditions:
Ehlers-Danlos syndrome, classic type, 1 (EDSCL1). Also called: EHLERS-DANLOS SYNDROME, GRAVIS TYPE; EHLERS-DANLOS SYNDROME, SEVERE CLASSIC TYPE; Ehlers-Danlos syndrome, type 1; Ehlers-Danlos Syndrome, Classic Type, COL5A1-Related; EDS I. Identifiers: MedGen C0268335, MONDO:0019567, OMIM 130000.
Osteogenesis imperfecta type I (OI1). Also called: OI, TYPE I; OSTEOGENESIS IMPERFECTA TARDA; OSTEOGENESIS IMPERFECTA WITH BLUE SCLERAE; Osteogenesis imperfecta type 1; Lobstein's Disease; Lobstein disease. Identifiers: Orphanet 216796, Orphanet 666, MedGen C0023931, MONDO:0008146, OMIM 166200. Disease mechanism: loss of function.

gnomAD v4.1: 1 of 1,612,994 alleles (0.000062%); highest among the groups gnomAD compares: Non-Finnish European, 0.000085%; no homozygotes.

Submission:

Labcorp Genetics (formerly Invitae), Labcorp
Classification: Likely pathogenic for Osteogenesis imperfecta type I; Ehlers-Danlos syndrome, classic type, 1. Last evaluated: 2025-08-09. Review status: criteria provided, single submitter. Criteria: Invitae Variant Classification Sherloc (09022015). Collection method: clinical testing. Allele origin: germline.
Comment: This sequence change affects a donor splice site in intron 13 of the COL1A2 gene. It is expected to disrupt RNA splicing. Variants that disrupt the donor or acceptor splice site typically lead to a loss of protein function (PMID: 16199547), and loss-of-function variants in COL1A2 are known to be disease-causing for autosomal recessive COL1A2-related conditions (PMID: 15077201, 11288717). However, certain variants affecting donor or acceptor splice sites in the triple helical domain of COL1A2 are expected to result in in-frame exon skipping and have been reported to cause autosomal dominant COL1A2-related conditions (PMID: 17078022, 9295084). This variant is not present in population databases (gnomAD no frequency). This variant has not been reported in the literature in individuals affected with COL1A2-related conditions. Algorithms developed to predict the effect of sequence changes on RNA splicing suggest that this variant may disrupt the consensus splice site. In summary, the currently available evidence indicates that the variant is pathogenic, but additional data are needed to prove that conclusively. Therefore, this variant has been classified as Likely Pathogenic.

Literature cited by the submitters: PubMed 16199547; PubMed 15077201; PubMed 11288717; PubMed 17078022; PubMed 9295084.

NM_000089.4(COL1A2):c.639+2T>C

Gene: COL1A2 (collagen type I alpha 2 chain; plus strand). Cytogenetic location: 7q21.3.
Variant type: single nucleotide variant.
Coding change: c.639+2T>C on transcript NM_000089.4 (MANE Select); the canonical splice donor site of the intron after coding-DNA position 639, T replaced by C.
Molecular consequence: splice donor variant.
Genome position (GRCh38, 1-based): chr7:94,407,893, T>C. VCF-style: chr7-94407893-T-C. GRCh37 (hg19) VCF-style: chr7-94037205-T-C.
Identifiers: ClinVar variation 4785763 (VCV004785763.1).
Genomic context (GRCh38, chr7:94,407,893, plus strand): 5'-CCTTCTCCATGTAGGGTGAACCTGGTGCCCCTGGTGAAAATGGAACTCCAGGTCAAACAG[T>C]AAGTATTGACTACTTCATTGTAAATTTAAATGTGTACACTCTTTATGAGATGGAACTTCT-3'